The following is an entry in ClinVar:

ClinVar aggregate classification (germline): Likely benign. Review status: criteria provided, multiple submitters, no conflicts (2 of 4 stars). 3 submissions from 3 submitters: Likely benign (3). Last evaluated 2025-11-13.

Conditions:
Chromosome 2q32-q33 deletion syndrome (GLASS). Also called: 2q33.1 deletion syndrome; Glass syndrome. Identifiers: Orphanet 251019, MedGen C2676739, MONDO:0012864, OMIM 612313.

Allele frequency attached by ClinVar (database versions not stated): gnomAD exomes 0.00002 and 0.00003; ExAC 0.00003; ESP Exome Variant Server 0.00008; gnomAD 0.00013 and 0.00015; TOPMed 0.00014; 1000 Genomes Project 30x 0.00016; 1000 Genomes Project 0.00020.
gnomAD v4.1: 43 of 1,614,170 alleles (0.0027%); highest among the groups gnomAD compares: African/African-American, 0.053%; no homozygotes.

Submissions (3):

Labcorp Genetics (formerly Invitae), Labcorp
Classification: Likely benign for Chromosome 2q32-q33 deletion syndrome. Last evaluated: 2025-11-13. Review status: criteria provided, single submitter. Criteria: Invitae Variant Classification Sherloc (09022015). Collection method: clinical testing. Allele origin: germline.

CeGaT Center for Human Genetics Tuebingen
Classification: Likely benign. Last evaluated: 2024-12-01. Review status: criteria provided, single submitter. Criteria: CeGaT Center For Human Genetics Tuebingen Variant Classification Criteria Version 2. Collection method: clinical testing. Allele origin: germline. Affected: yes. Observed: 1 variant allele.
Comment: SATB2: BP4, BP7

GeneDx
Classification: Likely benign. Last evaluated: 2021-01-27. Review status: criteria provided, single submitter. Criteria: GeneDx Variant Classification Process June 2021. Collection method: clinical testing. Allele origin: germline. Affected: yes.

NM_001172509.2(SATB2):c.1572G>A (p.Lys524=)

Gene: SATB2 (SATB homeobox 2; minus strand). Cytogenetic location: 2q33.1.
Variant type: single nucleotide variant.
Coding change: c.1572G>A on transcript NM_001172509.2 (MANE Select); coding-DNA position 1572, G replaced by A.
Protein change: p.Lys524=; no amino-acid change (lysine 524 retained).
Molecular consequence: synonymous variant.
Genome position (GRCh38, 1-based): chr2:199,308,928, C>T on the plus strand (G>A on the coding strand, the complement: SATB2 is on the minus strand). VCF-style: chr2-199308928-C-T. GRCh37 (hg19) VCF-style: chr2-200173651-C-T.
Other names: c.1572G>A, p.Lys524= (NM_001172517.1, NM_015265.4).
Identifiers: ClinVar variation 772578 (VCV000772578.26), dbSNP rs376557576, ClinGen allele CA2045848.